The following is an entry in ClinVar:

ClinVar aggregate classification (germline): Uncertain significance (1 of 4 stars; one submission).

Conditions:
Aicardi-Goutieres syndrome 4. Identifiers: Orphanet 51, MedGen C1835912, MONDO:0012472, OMIM 610333.

Allele frequency attached by ClinVar (database versions not stated): TOPMed 0.00002; ExAC 0.00003; gnomAD exomes 0.00005; gnomAD 0.00001.

Submission:

Labcorp Genetics (formerly Invitae), Labcorp
Classification: Uncertain significance for Aicardi-Goutieres syndrome 4. Last evaluated: 2022-07-16. Review status: criteria provided, single submitter. Criteria: Invitae Variant Classification Sherloc (09022015). Collection method: clinical testing. Allele origin: germline.
Comment: This sequence change replaces aspartic acid, which is acidic and polar, with glycine, which is neutral and non-polar, at codon 34 of the RNASEH2A protein (p.Asp34Gly). This variant is present in population databases (rs762516714, gnomAD 0.03%). This variant has not been reported in the literature in individuals affected with RNASEH2A-related conditions. ClinVar contains an entry for this variant (Variation ID: 964199). Algorithms developed to predict the effect of missense changes on protein structure and function are either unavailable or do not agree on the potential impact of this missense change (SIFT: "Deleterious"; PolyPhen-2: "Probably Damaging"; Align-GVGD: "Class C0"). Algorithms developed to predict the effect of sequence changes on RNA splicing suggest that this variant may disrupt the consensus splice site. In summary, the available evidence is currently insufficient to determine the role of this variant in disease. Therefore, it has been classified as a Variant of Uncertain Significance.

NM_006397.3(RNASEH2A):c.101A>G (p.Asp34Gly)

Genes: RNASEH2A (ribonuclease H2 subunit A; plus strand), LOC117038795 (CRISPRi-FlowFISH-validated PRDX2 regulatory element 4; plus strand). Cytogenetic location: 19p13.13.
Variant type: single nucleotide variant.
Coding change: c.101A>G on transcript NM_006397.3 (MANE Select); coding-DNA position 101, A replaced by G.
Protein change: p.Asp34Gly; replaces aspartic acid 34 with glycine.
Molecular consequence: missense variant.
Genome position (GRCh38, 1-based): chr19:12,806,774, A>G. VCF-style: chr19-12806774-A-G. GRCh37 (hg19) VCF-style: chr19-12917588-A-G.
Other names: short protein forms D34G.
Identifiers: ClinVar variation 964199 (VCV000964199.7), dbSNP rs762516714, ClinGen allele CA9231719.